The following is an entry in ClinVar:

ClinVar aggregate classification (germline): Uncertain significance. Review status: criteria provided, multiple submitters, no conflicts (2 of 4 stars). 2 submissions from 2 submitters: Uncertain significance (2). Last evaluated 2025-04-13.

Conditions:
Inborn genetic diseases. Identifiers: MedGen C0950123, MeSH D030342.

Allele frequency attached by ClinVar (database versions not stated): gnomAD exomes below 0.00001 and 0.00001; TOPMed below 0.00001; ExAC 0.00001.
gnomAD v4.1: 18 of 1,613,470 alleles (0.0011%); highest among the groups gnomAD compares: Non-Finnish European, 0.0014%; no homozygotes.

Submissions (2):

Ambry Genetics
Classification: Uncertain significance for Inborn genetic diseases. Last evaluated: 2025-04-13. Review status: criteria provided, single submitter. Criteria: Ambry Variant Classification Scheme 2023. Collection method: clinical testing. Allele origin: germline.

Labcorp Genetics (formerly Invitae), Labcorp
Classification: Uncertain significance. Last evaluated: 2024-03-30. Review status: criteria provided, single submitter. Criteria: Invitae Variant Classification Sherloc (09022015). Collection method: clinical testing. Allele origin: germline.
Comment: This sequence change replaces threonine, which is neutral and polar, with alanine, which is neutral and non-polar, at codon 350 of the IMPG2 protein (p.Thr350Ala). This variant is present in population databases (rs746577784, gnomAD 0.003%). This variant has not been reported in the literature in individuals affected with IMPG2-related conditions. ClinVar contains an entry for this variant (Variation ID: 1001499). Algorithms developed to predict the effect of missense changes on protein structure and function output the following: SIFT: "Not Available"; PolyPhen-2: "Benign"; Align-GVGD: "Not Available". The alanine amino acid residue is found in multiple mammalian species, which suggests that this missense change does not adversely affect protein function. In summary, the available evidence is currently insufficient to determine the role of this variant in disease. Therefore, it has been classified as a Variant of Uncertain Significance.

NM_016247.4(IMPG2):c.1048A>G (p.Thr350Ala)

Gene: IMPG2 (interphotoreceptor matrix proteoglycan 2; minus strand). Cytogenetic location: 3q12.3.
Variant type: single nucleotide variant.
Coding change: c.1048A>G on transcript NM_016247.4 (MANE Select); coding-DNA position 1048, A replaced by G.
Protein change: p.Thr350Ala; replaces threonine 350 with alanine.
Molecular consequence: missense variant.
Genome position (GRCh38, 1-based): chr3:101,257,634, T>C on the plus strand (A>G on the coding strand, the complement: IMPG2 is on the minus strand). VCF-style: chr3-101257634-T-C. GRCh37 (hg19) VCF-style: chr3-100976478-T-C.
Other names: c.1048A>G (NM_016247.3); short protein forms T350A.
Identifiers: ClinVar variation 1001499 (VCV001001499.9), dbSNP rs746577784, ClinGen allele CA2519289.